The following is an entry in ClinVar:

NM_001289808.2(CRYAB):c.56C>T (p.Ser19Phe)

Gene: CRYAB (crystallin alpha B; minus strand). Cytogenetic location: 11q23.1.
Variant type: single nucleotide variant.
Coding change: c.56C>T on transcript NM_001289808.2 (MANE Select); coding-DNA position 56, C replaced by T.
Protein change: p.Ser19Phe; replaces serine 19 with phenylalanine.
Molecular consequence: missense variant.
Genome position (GRCh38, 1-based): chr11:111,911,669, G>A on the plus strand (C>T on the coding strand, the complement: CRYAB is on the minus strand). VCF-style: chr11-111911669-G-A. GRCh37 (hg19) VCF-style: chr11-111782393-G-A.
Other names: c.56C>T, p.Ser19Phe (NM_001289807.1, NM_001368245.1, NM_001885.3); short protein forms S19F.
Identifiers: ClinVar variation 1486640 (VCV001486640.6), dbSNP rs537074990, ClinGen allele CA382600888.
Genomic context (GRCh38, chr11:111,911,669, plus strand): 5'-GGGAAAAGATCAGACTCCAACAGGTGCTCTCCGAAGAACTGGTCAAAGAGGCGGCTGGGG[G>A]AGTGGAAAGGAAAGAAGGGGCGGCGGATCCAGGGGTGGTGGATGGCGATGTCCATGGTGG-3'
Protein context (NP_001276737.1, residues 9-29): WIRRPFFPFH[Ser19Phe]PSRLFDQFFG

ClinVar aggregate classification (germline): Uncertain significance (1 of 4 stars; one submission).

Conditions:
Dilated cardiomyopathy 1II (CMD1II). Identifiers: Orphanet 154, MedGen C3554649, MONDO:0014073, OMIM 615184.

Allele frequency attached by ClinVar (database versions not stated): gnomAD exomes below 0.00001.

Submission:

Labcorp Genetics (formerly Invitae), Labcorp
Classification: Uncertain significance for Dilated cardiomyopathy 1II. Last evaluated: 2026-01-14. Review status: criteria provided, single submitter. Criteria: Invitae Variant Classification Sherloc (09022015). Collection method: clinical testing. Allele origin: germline.
Comment: This sequence change replaces serine, which is neutral and polar, with phenylalanine, which is neutral and non-polar, at codon 19 of the CRYAB protein (p.Ser19Phe). This variant is not present in population databases (gnomAD no frequency). This variant has not been reported in the literature in individuals affected with CRYAB-related conditions. ClinVar contains an entry for this variant (Variation ID: 1486640). An algorithm developed to predict the effect of missense changes on protein structure and function (PolyPhen-2) suggests that this variant is likely to be tolerated. In summary, the available evidence is currently insufficient to determine the role of this variant in disease. Therefore, it has been classified as a Variant of Uncertain Significance.